The following is an entry in ClinVar:

NM_006073.4(TRDN):c.1952-1G>A

Gene: TRDN (triadin; minus strand). Cytogenetic location: 6q22.31.
Variant type: single nucleotide variant.
Coding change: c.1952-1G>A on transcript NM_006073.4 (MANE Select); the canonical splice acceptor site of the intron before coding-DNA position 1952, G replaced by A.
Molecular consequence: splice acceptor variant.
Genome position (GRCh38, 1-based): chr6:123,252,436, C>T on the plus strand (G>A on the coding strand, the complement: TRDN is on the minus strand). VCF-style: chr6-123252436-C-T. GRCh37 (hg19) VCF-style: chr6-123573581-C-T.
Identifiers: ClinVar variation 1066798 (VCV001066798.10), dbSNP rs2114570771, ClinGen allele CA365561904.

ClinVar aggregate classification (germline): Uncertain significance (1 of 4 stars; one submission).

Conditions:
Catecholaminergic polymorphic ventricular tachycardia 1. Also called: VENTRICULAR TACHYCARDIA, STRESS-INDUCED POLYMORPHIC 1; VENTRICULAR TACHYCARDIA, CATECHOLAMINERGIC POLYMORPHIC, 1, WITH OR WITHOUT ATRIAL DYSFUNCTION AND/OR DILATED CARDIOMYOPATHY; RYR2-Related Catecholaminergic Polymorphic Ventricular Tachycardia. Identifiers: Orphanet 3286, MedGen C1631597, MONDO:0011484, OMIM 604772.

Allele frequency attached by ClinVar (database versions not stated): gnomAD exomes below 0.00001.
gnomAD v4.1: 1 of 1,508,564 alleles (0.000066%); highest among the groups gnomAD compares: Non-Finnish European, 0.00009%; no homozygotes.

Submission:

Labcorp Genetics (formerly Invitae), Labcorp
Classification: Uncertain significance for Catecholaminergic polymorphic ventricular tachycardia 1. Last evaluated: 2022-09-27. Review status: criteria provided, single submitter. Criteria: Invitae Variant Classification Sherloc (09022015). Collection method: clinical testing. Allele origin: germline.
Comment: This variant is not present in population databases (gnomAD no frequency). This variant has not been reported in the literature in individuals affected with TRDN-related conditions. ClinVar contains an entry for this variant (Variation ID: 1066798). Algorithms developed to predict the effect of sequence changes on RNA splicing suggest that this variant may disrupt the consensus splice site. In summary, the available evidence is currently insufficient to determine the role of this variant in disease. Therefore, it has been classified as a Variant of Uncertain Significance. This sequence change affects an acceptor splice site in intron 37 of the TRDN gene. However, it is currently unclear if variants that occur in this region of the gene cause disease.